The following is an entry in ClinVar:

NM_001110556.2(FLNA):c.3352G>A (p.Gly1118Arg)

Gene: FLNA (filamin A; minus strand). Cytogenetic location: Xq28.
Variant type: single nucleotide variant.
Coding change: c.3352G>A on transcript NM_001110556.2 (MANE Select); coding-DNA position 3352, G replaced by A.
Protein change: p.Gly1118Arg; replaces glycine 1118 with arginine.
Molecular consequence: missense variant.
Genome position (GRCh38, 1-based): chrX:154,360,443, C>T on the plus strand (G>A on the coding strand, the complement: FLNA is on the minus strand). VCF-style: chrX-154360443-C-T. GRCh37 (hg19) VCF-style: chrX-153588811-C-T.
Other names: c.3352G>A, p.Gly1118Arg (NM_001456.4); short protein forms G1118R.
Identifiers: ClinVar variation 2092541 (VCV002092541.4), dbSNP rs2522741730, ClinGen allele CA415228333.

ClinVar aggregate classification (germline): Uncertain significance (1 of 4 stars; one submission).

Conditions:
Melnick-Needles syndrome (MNS). Also called: MELNICK-NEEDLES OSTEODYSPLASTY; OSTEODYSPLASTY OF MELNICK AND NEEDLES; Melnick-Needles Syndrome (FLNA-MNS). Identifiers: Orphanet 2484, MedGen C0025237, MONDO:0010650, OMIM 309350.
Heterotopia, periventricular, X-linked dominant (PVNH1). Also called: PERIVENTRICULAR NODULAR HETEROTOPIA 1; X-linked periventricular heterotopia; PERIVENTRICULAR NODULAR HETEROTOPIA 4; HETEROTOPIA, PERIVENTRICULAR, 1. Identifiers: Orphanet 2149, Orphanet 82004, MedGen C1848213, MONDO:0010233, OMIM 300049.
Frontometaphyseal dysplasia (FMD1). Identifiers: Orphanet 1826, MedGen C0265293, MONDO:0015942.
Oto-palato-digital syndrome, type II (OPD2). Also called: FACIOPALATOOSSEOUS SYNDROME; OPD II SYNDROME; Otopalatodigital Syndrome Type 2 (FLNA-OPD2); Otopalatodigital Syndrome, Type II. Identifiers: Orphanet 669, Orphanet 90652, MedGen C1844696, MONDO:0010571, OMIM 304120.

Submission:

Labcorp Genetics (formerly Invitae), Labcorp
Classification: Uncertain significance for Oto-palato-digital syndrome, type II; Heterotopia, periventricular, X-linked dominant; Frontometaphyseal dysplasia; Melnick-Needles syndrome. Last evaluated: 2022-02-03. Review status: criteria provided, single submitter. Criteria: Invitae Variant Classification Sherloc (09022015). Collection method: clinical testing. Allele origin: germline.
Comment: In summary, the available evidence is currently insufficient to determine the role of this variant in disease. Therefore, it has been classified as a Variant of Uncertain Significance. Advanced modeling of protein sequence and biophysical properties (such as structural, functional, and spatial information, amino acid conservation, physicochemical variation, residue mobility, and thermodynamic stability) performed at Invitae indicates that this missense variant is not expected to disrupt FLNA protein function. This variant has not been reported in the literature in individuals affected with FLNA-related conditions. This variant is not present in population databases (gnomAD no frequency). This sequence change replaces glycine, which is neutral and non-polar, with arginine, which is basic and polar, at codon 1118 of the FLNA protein (p.Gly1118Arg).